The following is an entry in ClinVar:

ClinVar aggregate classification (germline): Conflicting classifications of pathogenicity. Review status: criteria provided, conflicting classifications (1 of 4 stars). 13 submissions from 12 submitters: Pathogenic (3); Likely pathogenic (6); Uncertain significance (1). 3 of the submissions do not count toward it. Last evaluated 2026-03-27.

Conditions:
TNFRSF13B-related disorder. Also called: TNFRSF13B-related condition.
Immunodeficiency, common variable, 1. Also called: ANTIBODY DEFICIENCY DUE TO ICOS DEFECT. Identifiers: Orphanet 1572, Orphanet 695183, MedGen C3149378, MONDO:0011864, OMIM 607594.
Immunodeficiency, common variable, 2 (CVID2). Also called: HYPOGAMMAGLOBULINEMIA DUE TO TACI DEFICIENCY; ANTIBODY DEFICIENCY DUE TO TACI DEFECT. Identifiers: Orphanet 1572, MedGen C3150354, MONDO:0009413, OMIM 240500.

Allele frequency attached by ClinVar (database versions not stated): ESP Exome Variant Server 0.00008; TOPMed 0.00009; gnomAD exomes 0.00011 and 0.00015; 1000 Genomes Project 30x 0.00016; ExAC 0.00016; gnomAD 0.00016; 1000 Genomes Project 0.00020.
gnomAD v4.1: 244 of 1,614,248 alleles (0.015%); highest among the groups gnomAD compares: Non-Finnish European, 0.019%; no homozygotes.

Submissions (13):

Women's Health and Genetics/Laboratory Corporation of America, LabCorp
Classification: Pathogenic for Immunodeficiency, common variable, 2. Last evaluated: 2026-03-27. Review status: criteria provided, single submitter. Criteria: LabCorp Variant Classification Summary - May 2015. Collection method: clinical testing. Allele origin: germline.
Comment: Variant summary: TNFRSF13B c.311G>A (p.Cys104Tyr) results in a non-conservative amino acid change in the encoded protein sequence. Algorithms developed to predict the effect of missense changes on protein structure and function all suggest that this variant is likely to be disruptive, which is supported by internally developed computational models. The variant allele was found at a frequency of 0.00011 in 251490 control chromosomes. This frequency is not significantly higher than estimated for disease-causing variants in TNFRSF13B, allowing no conclusion about variant significance. c.311G>A has been observed in compound heterozygous and heterozygous individual(s) affected with common variable immunodeficiency 2 (e.g. Salzer_2009, Freiberger_2012, Pulvirenti_2016, internal data). These data indicate that the variant may be associated with disease. A different variant affecting the same codon has been classified as likely pathogenic/pathogenic by our lab (c.310T>C, p.Cys104Arg), supporting the critical relevance of codon 104 to TNFRSF13B protein function. To our knowledge, no experimental evidence demonstrating an impact on protein function has been reported. The following publications have been ascertained in the context of this evaluation (PMID: 18981294, 22884984, 27123465). ClinVar contains an entry for this variant (Variation ID: 645207). Based on the evidence outlined above, the variant was classified as pathogenic.

Labcorp Genetics (formerly Invitae), Labcorp
Classification: Pathogenic for Immunodeficiency, common variable, 2. Last evaluated: 2025-12-30. Review status: criteria provided, single submitter. Criteria: Invitae Variant Classification Sherloc (09022015). Collection method: clinical testing. Allele origin: germline.
Comment: This sequence change replaces cysteine, which is neutral and slightly polar, with tyrosine, which is neutral and polar, at codon 104 of the TNFRSF13B protein (p.Cys104Tyr). This variant is present in population databases (rs72553879, gnomAD 0.02%). This missense change has been observed in individual(s) with CVID and IgA deficiency and common variable immunodeficiency (CVID) (PMID: 18981294, 22884984, 27123465). In at least one individual the data is consistent with being in trans (on the opposite chromosome) from a pathogenic variant. It has also been observed to segregate with disease in related individuals. ClinVar contains an entry for this variant (Variation ID: 645207). Invitae Evidence Modeling of protein sequence and biophysical properties (such as structural, functional, and spatial information, amino acid conservation, physicochemical variation, residue mobility, and thermodynamic stability) indicates that this missense variant is expected to disrupt TNFRSF13B protein function with a positive predictive value of 95%. This variant disrupts the p.Cys104 amino acid residue in TNFRSF13B. Other variant(s) that disrupt this residue have been determined to be pathogenic (PMID: 16007087, 19779048, 22697072, 22884984, 22983507, 23237420). This suggests that this residue is clinically significant, and that variants that disrupt this residue are likely to be disease-causing. For these reasons, this variant has been classified as Pathogenic.

Dasa
Classification: Pathogenic. Last evaluated: 2025-10-31. Review status: criteria provided, single submitter. Criteria: DASA Assertion Criteria. Collection method: clinical testing. Allele origin: germline.
Comment: NM_012452.3(TNFRSF13B):c.311G>A (p.Cys104Tyr) is a missense variant that results in the substitution of cysteine with tyrosine. The affected residue or protein region has prior evidence supporting clinical relevance. This variant has been observed in affected individuals with related phenotype in a genotype context consistent with recessive disease (PMID: 22884984; PMID: 38054159; PMID: 18981294). This variant has been recurrently observed in individuals with related phenotype (PMID: 22884984; PMID: 38054159; PMID: 18981294). Multiple computational predictions support a deleterious effect on the gene or gene product. The variant is present at low frequency in population datasets. Based on the available data, this variant is classified as pathogenic.

CeGaT Center for Human Genetics Tuebingen
Classification: Likely pathogenic. Last evaluated: 2025-07-01. Review status: criteria provided, single submitter. Criteria: CeGaT Center For Human Genetics Tuebingen Variant Classification Criteria Version 2. Collection method: clinical testing. Allele origin: germline. Affected: yes. Observed: 2 variant alleles.
Comment: TNFRSF13B: PM1, PM5, PS4:Moderate

Blueprint Genetics
Classification: Uncertain significance. Last evaluated: 2024-10-15. Review status: criteria provided, single submitter. Criteria: ACMG Guidelines, 2015. Collection method: clinical testing. Allele origin: germline.

GeneDx
Classification: Likely pathogenic. Last evaluated: 2024-01-19. Review status: criteria provided, single submitter. Criteria: GeneDx Variant Classification Process June 2021. Collection method: clinical testing. Allele origin: germline. Affected: yes.
Comment: Identified in the single heterozygous state in several individuals with immune disorders and primary antibody deficiencies, however, some individuals harbored additional variants in other genes associated with immunodeficiency (PMID: 34573280, 27123465, 32581362, 33864888); In silico analysis supports that this missense variant has a deleterious effect on protein structure/function; This variant is associated with the following publications: (PMID: 22884984, 27123465, 37007115, 33864888, 32581362, 18981294, 38054159, 34573280)

Department of Pathology and Laboratory Medicine, Sinai Health System
Classification: Likely pathogenic for Immunodeficiency, common variable, 2. Last evaluated: 2023-08-30. Review status: criteria provided, single submitter. Criteria: ACMG Guidelines, 2015. Collection method: research. Allele origin: germline.

PreventionGenetics, part of Exact Sciences
Classification: Likely pathogenic for TNFRSF13B-related condition. Last evaluated: 2023-08-10. Review status: criteria provided, single submitter. Criteria: ACMG Guidelines, 2015. Collection method: clinical testing. Allele origin: germline.
Comment: The TNFRSF13B c.311G>A variant is predicted to result in the amino acid substitution p.Cys104Tyr. This variant has been reported in the compound heterozygous and heterozygous state in numerous patients with common variable immunodeficiency disorders (CVIDs) (Salzer et al. 2009. PubMed ID: 18981294; Pulvirenti et al. 2016. PubMed ID: 27123465; Freiberger et al. 2012. PubMed ID: 22884984; Baxter et al. 2021. PubMed ID: 33864888; Grossi et al. 2021. PubMed ID: 34573280). This variant was also shown to segregate in the compound heterozygous in two siblings with CVIDs and the carrier parents were unaffected (Salzer et al. 2009. PubMed ID: 18981294). This variant is reported in 0.022% of alleles in individuals of European (Non-Finnish) descent in gnomAD. In ClinVar, this variant has been interpreted as pathogenic and likely pathogenic by multiple submitters. A different substitution affecting the same amino acid (p.Cys104Arg) has also been reported in association with CVIDs (Salzer et al. 2005. PubMed ID: 16007087; Freiberger et al. 2012. PubMed ID: 22884984; Barroeta Seijas et al. 2012. PubMed ID: 22697072; Martinez-Gallo et al. 2012. PubMed ID: 23237420). Based on this evidence, we interpret the c.311G>A (p.Cys104Tyr) variant as likely pathogenic.

Institute of Medical Genetics and Applied Genomics, University Hospital Tübingen
Classification: Likely pathogenic for Immunodeficiency, common variable, 2. Last evaluated: 2022-12-07. Review status: criteria provided, single submitter. Criteria: ACMG Guidelines, 2015. Collection method: clinical testing. Allele origin: germline. Inheritance: Autosomal dominant inheritance. Affected: yes.

Revvity Omics, Revvity
Classification: Likely pathogenic. Last evaluated: 2022-06-26. Review status: criteria provided, single submitter. Criteria: ACMG Guidelines, 2015. Collection method: clinical testing. Allele origin: germline.

Clinic of Clinical Immunology with Stem Cell Bank, Expert Centre for Rare Diseases - PID, University Hospital "Alexandrovska"
Classification: Pathogenic for Immunodeficiency, common variable, 1. Last evaluated: 2022-05-01. Review status: no assertion criteria provided. Collection method: clinical testing. Allele origin: germline. Affected: yes. Not counted in ClinVar's aggregate classification.

Clinic of Clinical Immunology with Stem Cell Bank, Expert Centre for Rare Diseases - PID, University Hospital "Alexandrovska"
Classification: Likely pathogenic for Immunodeficiency, common variable, 2. Review status: no assertion criteria provided. Collection method: clinical testing. Allele origin: germline. Not counted in ClinVar's aggregate classification.

Institute of Human Genetics, University of Leipzig Medical Center
Classification: Uncertain significance for Immunodeficiency, common variable, 2. Last evaluated: 2025-08-13. Review status: flagged submission. Criteria: ACMG Guidelines, 2015. Collection method: clinical testing. Allele origin: unknown. Inheritance: Autosomal dominant inheritance. Affected: yes. Not counted in ClinVar's aggregate classification.
Comment: Criteria applied: PS4_SUP,PP3
ClinVar note: Reason: Outlier claim with insufficient supporting evidence

Literature cited by the submitters: PubMed 18981294 (cited by 3 submitters); PubMed 22884984 (cited by 3 submitters); PubMed 27123465 (cited by Women's Health and Genetics/Laboratory Corporation of America, LabCorp and Labcorp Genetics (formerly Invitae), Labcorp); PubMed 16007087 (cited by Labcorp Genetics (formerly Invitae), Labcorp); PubMed 19779048 (cited by Labcorp Genetics (formerly Invitae), Labcorp); PubMed 22697072 (cited by Labcorp Genetics (formerly Invitae), Labcorp); PubMed 22983507 (cited by Labcorp Genetics (formerly Invitae), Labcorp); PubMed 23237420 (cited by Labcorp Genetics (formerly Invitae), Labcorp); PubMed 38054159 (cited by Dasa).

NM_012452.3(TNFRSF13B):c.311G>A (p.Cys104Tyr)

Gene: TNFRSF13B (TNF receptor superfamily member 13B; minus strand). Cytogenetic location: 17p11.2.
Variant type: single nucleotide variant.
Coding change: c.311G>A on transcript NM_012452.3 (MANE Select); coding-DNA position 311, G replaced by A.
Protein change: p.Cys104Tyr; replaces cysteine 104 with tyrosine.
Molecular consequence: missense variant.
Genome position (GRCh38, 1-based): chr17:16,948,872, C>T on the plus strand (G>A on the coding strand, the complement: TNFRSF13B is on the minus strand). VCF-style: chr17-16948872-C-T. GRCh37 (hg19) VCF-style: chr17-16852186-C-T.
Other names: short protein forms C104Y.
Identifiers: ClinVar variation 645207 (VCV000645207.29), dbSNP rs72553879, ClinGen allele CA8414040.